The following is an entry in ClinVar:

ClinVar aggregate classification (germline): Uncertain significance (1 of 4 stars; one submission).

Allele frequency attached by ClinVar (database versions not stated): TOPMed below 0.00001; gnomAD 0.00001.
gnomAD v4.1: 4 of 1,613,010 alleles (0.00025%); highest among the groups gnomAD compares: Non-Finnish European, 0.00034%; no homozygotes.

Submission:

Labcorp Genetics (formerly Invitae), Labcorp
Classification: Uncertain significance. Last evaluated: 2022-11-01. Review status: criteria provided, single submitter. Criteria: Invitae Variant Classification Sherloc (09022015). Collection method: clinical testing. Allele origin: germline.
Comment: In summary, the available evidence is currently insufficient to determine the role of this variant in disease. Therefore, it has been classified as a Variant of Uncertain Significance. Advanced modeling of protein sequence and biophysical properties (such as structural, functional, and spatial information, amino acid conservation, physicochemical variation, residue mobility, and thermodynamic stability) performed at Invitae indicates that this missense variant is expected to disrupt TBXA2R protein function. This variant has not been reported in the literature in individuals affected with TBXA2R-related conditions. This variant is present in population databases (no rsID available, gnomAD 0.0009%). This sequence change replaces phenylalanine, which is neutral and non-polar, with leucine, which is neutral and non-polar, at codon 63 of the TBXA2R protein (p.Phe63Leu).

NM_001060.6(TBXA2R):c.189C>G (p.Phe63Leu)

Gene: TBXA2R (thromboxane A2 receptor; minus strand). Cytogenetic location: 19p13.3.
Variant type: single nucleotide variant.
Coding change: c.189C>G on transcript NM_001060.6 (MANE Select); coding-DNA position 189, C replaced by G.
Protein change: p.Phe63Leu; replaces phenylalanine 63 with leucine.
Molecular consequence: missense variant.
Genome position (GRCh38, 1-based): chr19:3,600,446, G>C on the plus strand (C>G on the coding strand, the complement: TBXA2R is on the minus strand). VCF-style: chr19-3600446-G-C. GRCh37 (hg19) VCF-style: chr19-3600444-G-C.
Other names: c.189C>G, p.Phe63Leu (NM_201636.3); short protein forms F63L.
Identifiers: ClinVar variation 2811438 (VCV002811438.3), dbSNP rs761086307, ClinGen allele CA403335553.
Genomic context (GRCh38, chr19:3,600,446, plus strand): 5'-GGTACCGGTCACCAGCAGCCCCAGGAAGTCGGTGAGGACGAGGCCGCAGAGGAAGGTGAG[G>C]AAGGAGGAGCGCGTGTGCGAACCCCCCTGCCGCGCGCCCGCCAGCACGCTCAGGGCCAGC-3'
Protein context (NP_001051.1, residues 53-73): RQGGSHTRSS[Phe63Leu]LTFLCGLVLT